The following is an entry in ClinVar:

ClinVar aggregate classification (germline): Conflicting classifications of pathogenicity. Review status: criteria provided, conflicting classifications (1 of 4 stars). 2 submissions from 2 submitters: Uncertain significance (1); Benign (1). Last evaluated 2025-10-28.

Conditions:
Fanconi anemia complementation group O. Also called: RAD51C-Related Fanconi Anemia. Identifiers: Orphanet 84, MedGen C3150653, MONDO:0013248, OMIM 613390.
Hereditary cancer-predisposing syndrome. Also called: Neoplastic Syndromes, Hereditary; Hereditary Cancer Syndrome; Hereditary neoplastic syndrome; Tumor predisposition. Identifiers: Orphanet 140162, MedGen C0027672, MeSH D009386, MONDO:0015356.

gnomAD v4.1: 1 of 1,614,214 alleles (0.000062%); highest among the groups gnomAD compares: Non-Finnish European, 0.000085%; no homozygotes.

Submissions (2):

Ambry Genetics
Classification: Benign for Hereditary cancer-predisposing syndrome. Last evaluated: 2025-10-28. Review status: criteria provided, single submitter. Criteria: Ambry Variant Classification Scheme 2023. Collection method: clinical testing. Allele origin: germline.

Labcorp Genetics (formerly Invitae), Labcorp
Classification: Uncertain significance for Fanconi anemia complementation group O. Last evaluated: 2022-08-16. Review status: criteria provided, single submitter. Criteria: Invitae Variant Classification Sherloc (09022015). Collection method: clinical testing. Allele origin: germline.
Comment: In summary, the available evidence is currently insufficient to determine the role of this variant in disease. Therefore, it has been classified as a Variant of Uncertain Significance. Algorithms developed to predict the effect of missense changes on protein structure and function (SIFT, PolyPhen-2, Align-GVGD) all suggest that this variant is likely to be tolerated. ClinVar contains an entry for this variant (Variation ID: 825659). This variant has not been reported in the literature in individuals affected with RAD51C-related conditions. This variant is not present in population databases (gnomAD no frequency). This sequence change replaces glutamine, which is neutral and polar, with arginine, which is basic and polar, at codon 178 of the RAD51C protein (p.Gln178Arg).

NM_058216.3(RAD51C):c.533A>G (p.Gln178Arg)

Gene: RAD51C (RAD51 paralog C; plus strand). Cytogenetic location: 17q22.
Variant type: single nucleotide variant.
Coding change: c.533A>G on transcript NM_058216.3 (MANE Select); coding-DNA position 533, A replaced by G.
Protein change: p.Gln178Arg; replaces glutamine 178 with arginine.
Molecular consequence: missense variant.
Genome position (GRCh38, 1-based): chr17:58,696,821, A>G. VCF-style: chr17-58696821-A-G. GRCh37 (hg19) VCF-style: chr17-56774182-A-G.
Other names: short protein forms Q178R.
Identifiers: ClinVar variation 825659 (VCV000825659.13), dbSNP rs1598460753, ClinGen allele CA400345207.